The following is an entry in ClinVar:

ClinVar aggregate classification (germline): Uncertain significance (1 of 4 stars; one submission).

Conditions:
NPR2-related disorder. Also called: NPR2-related disorders; NPR2-related condition.

Submission:

PreventionGenetics, part of Exact Sciences
Classification: Uncertain significance for NPR2-related condition. Last evaluated: 2025-06-16. Review status: criteria provided, single submitter. Criteria: ACMG Guidelines, 2015. Collection method: clinical testing. Allele origin: germline.
Comment: The NPR2 c.157G>A variant is predicted to result in the amino acid substitution p.Val53Met. To our knowledge, this variant has not been reported in the literature or in a large population database (gnomAD), indicating this variant is rare. At this time, the clinical significance of this variant is uncertain due to the absence of conclusive functional and genetic evidence.

NM_003995.4(NPR2):c.157G>A (p.Val53Met)

Gene: NPR2 (natriuretic peptide receptor 2; plus strand). Cytogenetic location: 9p13.3.
Variant type: single nucleotide variant.
Coding change: c.157G>A on transcript NM_003995.4 (MANE Select); coding-DNA position 157, G replaced by A.
Protein change: p.Val53Met; replaces valine 53 with methionine.
Molecular consequence: missense variant.
Genome position (GRCh38, 1-based): chr9:35,792,565, G>A. VCF-style: chr9-35792565-G-A. GRCh37 (hg19) VCF-style: chr9-35792562-G-A.
Other names: c.157G>A, p.Val53Met (NM_001378923.1); short protein forms V53M.
Identifiers: ClinVar variation 5000326 (VCV005000326.1).